The following is an entry in ClinVar:

NM_001199397.3(NEK1):c.1433G>A (p.Gly478Glu)

Gene: NEK1 (NIMA related kinase 1; minus strand). Cytogenetic location: 4q33.
Variant type: single nucleotide variant.
Coding change: c.1433G>A on transcript NM_001199397.3 (MANE Select); coding-DNA position 1433, G replaced by A.
Protein change: p.Gly478Glu; replaces glycine 478 with glutamic acid.
Molecular consequence: missense variant. On other transcripts: non-coding transcript variant (1), intron variant (3).
Genome position (GRCh38, 1-based): chr4:169,555,849, C>T on the plus strand (G>A on the coding strand, the complement: NEK1 is on the minus strand). VCF-style: chr4-169555849-C-T. GRCh37 (hg19) VCF-style: chr4-170477000-C-T.
Other names: c.1433G>A, p.Gly478Glu (NM_001374418.1, NM_001374419.1, NM_012224.4); c.1382G>A, p.Gly461Glu (NM_001374420.1); c.1307G>A, p.Gly436Glu (NM_001374421.1); c.1355+83G>A (NM_001199399.3); c.1430+83G>A (NM_001199398.3, NM_001199400.3); short protein forms G478E, G436E, G461E.
Identifiers: ClinVar variation 3666381 (VCV003666381.2).
Genomic context (GRCh38, chr4:169,555,849, plus strand): 5'-GGAAAATGGTGATGACCTGCAGCCCCATAAGGAAATCCTGGACGAACTCCAGGCAGAATT[C>T]CTCTGTAGATAAATATGCACAGTGACTTTCATTACTATCTCAGAAGCAAAGCATAAGCAA-3'
Protein context (NP_001186326.1, residues 468-488): EIYGRGLPER[Gly478Glu]ILPGVRPGFP

ClinVar aggregate classification (germline): Uncertain significance (1 of 4 stars; one submission).

Conditions:
Short-rib thoracic dysplasia 6 with or without polydactyly (SRTD6). Also called: POLYDACTYLY WITH NEONATAL CHONDRODYSTROPHY, TYPE II; Majewski Syndrome; SHORT RIB-POLYDACTYLY SYNDROME, TYPE IIA; SHORT-RIB THORACIC DYSPLASIA 6 WITH POLYDACTYLY; SHORT-RIB THORACIC DYSPLASIA 6 WITHOUT POLYDACTYLY. Identifiers: MedGen C0024507, MONDO:0009894, OMIM 263520.

gnomAD v4.1: 10 of 1,613,920 alleles (0.00062%); highest among the groups gnomAD compares: South Asian, 0.0066%; no homozygotes.

Submission:

Labcorp Genetics (formerly Invitae), Labcorp
Classification: Uncertain significance for Short-rib thoracic dysplasia 6 with or without polydactyly. Last evaluated: 2024-05-04. Review status: criteria provided, single submitter. Criteria: Invitae Variant Classification Sherloc (09022015). Collection method: clinical testing. Allele origin: germline.
Comment: This sequence change replaces glycine, which is neutral and non-polar, with glutamic acid, which is acidic and polar, at codon 478 of the NEK1 protein (p.Gly478Glu). This variant is present in population databases (no rsID available, gnomAD 0.003%). This missense change has been observed in individual(s) with amyotrophic lateral sclerosis (PMID: 29149916). Algorithms developed to predict the effect of missense changes on protein structure and function output the following: SIFT: "Not Available"; PolyPhen-2: "Benign"; Align-GVGD: "Not Available". The glutamic acid amino acid residue is found in multiple mammalian species, which suggests that this missense change does not adversely affect protein function. In summary, the available evidence is currently insufficient to determine the role of this variant in disease. Therefore, it has been classified as a Variant of Uncertain Significance.

Literature cited by the submitters: PubMed 29149916.